The following is an entry in ClinVar:

NM_001009944.3(PKD1):c.1685A>G (p.Gln562Arg)

Gene: PKD1 (polycystin 1, transient receptor potential channel interacting; minus strand). Cytogenetic location: 16p13.3.
Variant type: single nucleotide variant.
Coding change: c.1685A>G on transcript NM_001009944.3 (MANE Select); coding-DNA position 1685, A replaced by G.
Protein change: p.Gln562Arg; replaces glutamine 562 with arginine.
Molecular consequence: missense variant.
Genome position (GRCh38, 1-based): chr16:2,116,566, T>C on the plus strand (A>G on the coding strand, the complement: PKD1 is on the minus strand). VCF-style: chr16-2116566-T-C. GRCh37 (hg19) VCF-style: chr16-2166567-T-C.
Other names: c.1685A>G (NM_001009944.2); c.1685A>G, p.Gln562Arg (NM_000296.4); short protein forms Q562R.
Identifiers: ClinVar variation 618308 (VCV000618308.12), dbSNP rs1185676416, ClinGen allele CA394391418.

ClinVar aggregate classification (germline): Conflicting classifications of pathogenicity. Review status: criteria provided, conflicting classifications (1 of 4 stars). 5 submissions from 5 submitters: Uncertain significance (4); Likely benign (1). Last evaluated 2025-11-20.

Conditions:
PKD1-related disorder. Also called: PKD1-related condition.
Polycystic kidney disease, adult type (PKD1). Also called: POLYCYSTIC KIDNEY DISEASE, ADULT, TYPE I; Polycystic Kidney, Autosomal Dominant; Polycystic Kidney Disease 1, Autosomal Dominant; Polycystic kidney disease 1; Polycystic kidney disease 1, severe; POLYCYSTIC KIDNEY DISEASE 1 WITH OR WITHOUT POLYCYSTIC LIVER DISEASE. Identifiers: MedGen C3149841, MONDO:0008263, OMIM 173900.

Allele frequency attached by ClinVar (database versions not stated): TOPMed 0.00001.

Submissions (5):

PreventionGenetics, part of Exact Sciences
Classification: Uncertain significance for PKD1-related condition. Last evaluated: 2025-11-20. Review status: criteria provided, single submitter. Criteria: ACMG Guidelines, 2015. Collection method: clinical testing. Allele origin: germline.
Comment: The PKD1 c.1685A>G variant is predicted to result in the amino acid substitution p.Gln562Arg. This variant is reported in 0.0039% of alleles in individuals of South Asian descent in gnomAD. At this time, the clinical significance of this variant is uncertain due to the absence of conclusive functional and genetic evidence.

Mayo Clinic Laboratories, Mayo Clinic
Classification: Likely benign. Last evaluated: 2025-08-26. Review status: criteria provided, single submitter. Criteria: ACMG Guidelines, 2015. Collection method: clinical testing. Allele origin: germline. Observed: 1 variant allele.
Comment: BP4_moderate, BP5

Women's Health and Genetics/Laboratory Corporation of America, LabCorp
Classification: Uncertain significance. Last evaluated: 2025-06-27. Review status: criteria provided, single submitter. Criteria: LabCorp Variant Classification Summary - May 2015. Collection method: clinical testing. Allele origin: germline.
Comment: Variant summary: PKD1 c.1685A>G (p.Gln562Arg) results in a conservative amino acid change in the encoded protein sequence. Algorithms developed to predict the effect of missense changes on protein structure and function all suggest that this variant is likely to be tolerated. The frequency data for this variant in gnomAD is considered unreliable, as metrics indicate poor data quality at this position. To our knowledge, no occurrence of c.1685A>G in individuals affected with PKD1-related conditions and no experimental evidence demonstrating its impact on protein function have been reported. ClinVar contains an entry for this variant (Variation ID: 618308). Based on the evidence outlined above, the variant was classified as uncertain significance.

Fulgent Genetics
Classification: Uncertain significance for Polycystic kidney disease, adult type. Last evaluated: 2024-05-09. Review status: criteria provided, single submitter. Criteria: ACMG Guidelines, 2015. Collection method: clinical testing. Allele origin: germline.

ARUP Laboratories, Molecular Genetics and Genomics, ARUP Laboratories
Classification: Uncertain significance. Last evaluated: 2018-06-06. Review status: criteria provided, single submitter. Criteria: ARUP Molecular Germline Variant Investigation Process. Collection method: clinical testing. Allele origin: germline.
Comment: The PKD1 c.1685A>G; p.Gln562Arg variant, to our knowledge, is not reported in the medical literature or gene specific databases, and is only observed on 1 allele in the Genome Aggregation Database. The glutamine at codon 562 is weakly conserved, and computational algorithms (PolyPhen-2, SIFT) predict that this variant is tolerated. Due to limited information regarding this variant, its clinical significance cannot be determined with certainty.